The following is an entry in ClinVar:

NM_001329943.3(KIAA0586):c.3841C>T (p.His1281Tyr)

Gene: KIAA0586 (KIAA0586; plus strand). Cytogenetic location: 14q23.1.
Variant type: single nucleotide variant.
Coding change: c.3841C>T on transcript NM_001329943.3 (MANE Select); coding-DNA position 3841, C replaced by T.
Protein change: p.His1281Tyr; replaces histidine 1281 with tyrosine.
Molecular consequence: missense variant.
Genome position (GRCh38, 1-based): chr14:58,490,223, C>T. VCF-style: chr14-58490223-C-T. GRCh37 (hg19) VCF-style: chr14-58956941-C-T.
Other names: c.4000C>T, p.His1334Tyr (NM_001244189.2); c.3796C>T, p.His1266Tyr (NM_001244190.2); c.3586C>T, p.His1196Tyr (NM_001244191.2, NM_001329945.2, NM_001364700.1 and 1 more transcripts); c.3709C>T, p.His1237Tyr (NM_001244192.2); c.3421C>T, p.His1141Tyr (NM_001244193.2); c.3841C>T, p.His1281Tyr (NM_001329944.2, NM_001329946.2, NM_001329947.2); c.3613C>T, p.His1205Tyr (NM_014749.5); c.4000C>T (NM_001244189.1); short protein forms H1141Y, H1266Y, H1196Y, H1237Y, H1281Y, H1205Y, H1334Y.
Identifiers: ClinVar variation 1374187 (VCV001374187.5), dbSNP rs371424977, ClinGen allele CA7206271.

ClinVar aggregate classification (germline): Uncertain significance. Review status: criteria provided, multiple submitters, no conflicts (2 of 4 stars). 3 submissions from 3 submitters: Uncertain significance (3). Last evaluated 2024-09-30.

Conditions:
Short-rib thoracic dysplasia 14 with polydactyly (SRTD14). Identifiers: Orphanet 397715, MedGen C4225286, MONDO:0014688, OMIM 616546.
Joubert syndrome 23 (JBTS23). Identifiers: Orphanet 475, MedGen C4084822, MONDO:0014664, OMIM 616490.

Allele frequency attached by ClinVar (database versions not stated): ExAC 0.00003; gnomAD exomes 0.00005 and 0.00006; gnomAD 0.00007 and 0.00009; ESP Exome Variant Server 0.00008; TOPMed 0.00011.
gnomAD v4.1: 83 of 1,535,888 alleles (0.0054%); highest among the groups gnomAD compares: Admixed American, 0.029%; no homozygotes.

Submissions (3):

GeneDx
Classification: Uncertain significance. Last evaluated: 2024-09-30. Review status: criteria provided, single submitter. Criteria: GeneDx Variant Classification Process June 2021. Collection method: clinical testing. Allele origin: germline. Affected: yes.
Comment: In silico analysis supports that this missense variant has a deleterious effect on protein structure/function; Has not been previously published as pathogenic or benign to our knowledge

Blueprint Genetics
Classification: Uncertain significance. Last evaluated: 2022-10-26. Review status: criteria provided, single submitter. Criteria: ACMG Guidelines, 2015. Collection method: clinical testing. Allele origin: germline.

Labcorp Genetics (formerly Invitae), Labcorp
Classification: Uncertain significance for Joubert syndrome 23; Short-rib thoracic dysplasia 14 with polydactyly. Last evaluated: 2022-10-04. Review status: criteria provided, single submitter. Criteria: Invitae Variant Classification Sherloc (09022015). Collection method: clinical testing. Allele origin: germline.
Comment: This sequence change replaces histidine, which is basic and polar, with tyrosine, which is neutral and polar, at codon 1334 of the KIAA0586 protein (p.His1334Tyr). The frequency data for this variant in the population databases is considered unreliable, as metrics indicate poor data quality at this position in the gnomAD database. This variant has not been reported in the literature in individuals affected with KIAA0586-related conditions. ClinVar contains an entry for this variant (Variation ID: 1374187). Advanced modeling of protein sequence and biophysical properties (such as structural, functional, and spatial information, amino acid conservation, physicochemical variation, residue mobility, and thermodynamic stability) performed at Invitae indicates that this missense variant is expected to disrupt KIAA0586 protein function. In summary, the available evidence is currently insufficient to determine the role of this variant in disease. Therefore, it has been classified as a Variant of Uncertain Significance.